The following is an entry in ClinVar:

NM_001378454.1(ALMS1):c.2270del (p.Pro757fs)

Gene: ALMS1 (ALMS1 centrosome and basal body associated protein; plus strand). Cytogenetic location: 2p13.1.
Variant type: Deletion.
Coding change: c.2270del on transcript NM_001378454.1 (MANE Select); coding-DNA position 2270, one base deleted (C; older notation c.2270delC).
Protein change: p.Pro757fs; shifts the reading frame from proline 757.
Molecular consequence: frameshift variant.
Genome position (GRCh38, 1-based): chr2:73,448,797, C deleted; the last of 2 consecutive C bases (chr2:73,448,796-73,448,797); deleting either gives the same sequence. VCF-style (leftmost placement, unchanged base first): chr2-73448795-AC-A. GRCh37 (hg19) VCF-style: chr2-73675922-AC-A.
Other names: c.2273del, p.Pro758fs (NM_015120.4); c.2273delC (NM_015120.4); short protein forms P758fs, P757fs.
Identifiers: ClinVar variation 655483 (VCV000655483.8), dbSNP rs1572932377, ClinGen allele CA915944039.
Genomic context (GRCh38, chr2:73,448,795, plus strand): 5'-TGAAGAGACTCTTACTAAAGTTTCAGCCACTCCTGGACCAGCTGACCAGAAGACTGAGAT[AC>A]CAGCAGTACAGTCTAGTTCTTACTCACAAAGAGAAAAGCCTAGTATTTTGTACCCACAGG-3'

ClinVar aggregate classification (germline): Pathogenic (1 of 4 stars; one submission).

Conditions:
Alstrom syndrome (ALMS). Identifiers: Orphanet 64, MedGen C0268425, MONDO:0008763, OMIM 203800.

Submission:

Labcorp Genetics (formerly Invitae), Labcorp
Classification: Pathogenic for Alstrom syndrome. Last evaluated: 2018-10-12. Review status: criteria provided, single submitter. Criteria: Invitae Variant Classification Sherloc (09022015). Collection method: clinical testing. Allele origin: germline.
Comment: This sequence change creates a premature translational stop signal (p.Pro758Glnfs*22) in the ALMS1 gene. It is expected to result in an absent or disrupted protein product. This variant is not present in population databases (ExAC no frequency). This variant has not been reported in the literature in individuals with ALMS1-related disease. Experimental studies and prediction algorithms are not available for this variant, and the functional significance of the disrupted amino acid(s) is currently unknown. Loss-of-function variants in ALMS1 are known to be pathogenic (PMID: 17594715). For these reasons, this variant has been classified as Pathogenic.

Literature cited by the submitters: PubMed 17594715.